The following is an entry in ClinVar:

ClinVar aggregate classification (germline): Likely benign (1 of 4 stars; one submission).

Submission:

CeGaT Center for Human Genetics Tuebingen
Classification: Likely benign. Last evaluated: 2025-05-01. Review status: criteria provided, single submitter. Criteria: CeGaT Center For Human Genetics Tuebingen Variant Classification Criteria Version 2. Collection method: clinical testing. Allele origin: germline. Affected: yes. Observed: 1 variant allele.
Comment: BRIP1: PM2:Supporting, BP4, BP7

NM_032043.3(BRIP1):c.2576-2214T>C

Gene: BRIP1 (BRCA1 interacting DNA helicase 1; minus strand). Cytogenetic location: 17q23.2.
Variant type: single nucleotide variant.
Coding change: c.2576-2214T>C on transcript NM_032043.3 (MANE Select); 2214 bases into the intron before coding-DNA position 2576, T replaced by C.
Molecular consequence: intron variant.
Genome position (GRCh38, 1-based): chr17:61,688,379, A>G on the plus strand (T>C on the coding strand, the complement: BRIP1 is on the minus strand). VCF-style: chr17-61688379-A-G. GRCh37 (hg19) VCF-style: chr17-59765740-A-G.
Identifiers: ClinVar variation 3905628 (VCV003905628.10).